The following is an entry in ClinVar:

NM_001110556.2(FLNA):c.1354G>A (p.Gly452Ser)

Gene: FLNA (filamin A; minus strand). Cytogenetic location: Xq28.
Variant type: single nucleotide variant.
Coding change: c.1354G>A on transcript NM_001110556.2 (MANE Select); coding-DNA position 1354, G replaced by A.
Protein change: p.Gly452Ser; replaces glycine 452 with serine.
Molecular consequence: missense variant.
Genome position (GRCh38, 1-based): chrX:154,366,099, C>T on the plus strand (G>A on the coding strand, the complement: FLNA is on the minus strand). VCF-style: chrX-154366099-C-T. GRCh37 (hg19) VCF-style: chrX-153594467-C-T.
Other names: c.1354G>A, p.Gly452Ser (NM_001456.4); short protein forms G452S.
Identifiers: ClinVar variation 2251436 (VCV002251436.6), dbSNP rs1557179160, ClinGen allele CA415243750.
Genomic context (GRCh38, chrX:154,366,099, plus strand): 5'-CAGTGTAGGGGCTGCGAGGGATGGGCACGCCGGCAAACGTGACGTGCACGGTGTGGACGC[C>T]CTCCATGGTGGGCTGGTAGCTGCAGCGGTATGTGCTGTCGCCCCGGGCCTCCAGCTGAGG-3'
Protein context (NP_001104026.1, residues 442-462): YRCSYQPTME[Gly452Ser]VHTVHVTFAG

ClinVar aggregate classification (germline): Uncertain significance. Review status: criteria provided, multiple submitters, no conflicts (2 of 4 stars). 3 submissions from 3 submitters: Uncertain significance (3). Last evaluated 2025-12-21.

Conditions:
Oto-palato-digital syndrome, type II (OPD2). Also called: FACIOPALATOOSSEOUS SYNDROME; OPD II SYNDROME; Otopalatodigital Syndrome, Type II; Otopalatodigital Syndrome Type 2 (FLNA-OPD2). Identifiers: Orphanet 669, Orphanet 90652, MedGen C1844696, MONDO:0010571, OMIM 304120.
Frontometaphyseal dysplasia (FMD1). Identifiers: Orphanet 1826, MedGen C0265293, MONDO:0015942.
Melnick-Needles syndrome (MNS). Also called: MELNICK-NEEDLES OSTEODYSPLASTY; OSTEODYSPLASTY OF MELNICK AND NEEDLES; Melnick-Needles Syndrome (FLNA-MNS). Identifiers: Orphanet 2484, MedGen C0025237, MONDO:0010650, OMIM 309350.
Heterotopia, periventricular, X-linked dominant (PVNH1). Also called: PERIVENTRICULAR NODULAR HETEROTOPIA 4; HETEROTOPIA, PERIVENTRICULAR, 1; PERIVENTRICULAR NODULAR HETEROTOPIA 1; X-linked periventricular heterotopia. Identifiers: Orphanet 2149, Orphanet 82004, MedGen C1848213, MONDO:0010233, OMIM 300049.
Familial thoracic aortic aneurysm and aortic dissection (TAAD). Also called: Thoracic aortic aneurysms and dissections. Identifiers: Orphanet 91387, MedGen C4707243, MONDO:0019625.

Allele frequency attached by ClinVar (database versions not stated): gnomAD exomes below 0.00001.
gnomAD v4.1: 1 of 1,210,546 alleles (0.000083%); highest among the groups gnomAD compares: Non-Finnish European, 0.00011%; no homozygotes.

Submissions (3):

Labcorp Genetics (formerly Invitae), Labcorp
Classification: Uncertain significance for Oto-palato-digital syndrome, type II; Heterotopia, periventricular, X-linked dominant; Frontometaphyseal dysplasia; Melnick-Needles syndrome. Last evaluated: 2025-12-21. Review status: criteria provided, single submitter. Criteria: Invitae Variant Classification Sherloc (09022015). Collection method: clinical testing. Allele origin: germline.
Comment: This sequence change replaces glycine, which is neutral and non-polar, with serine, which is neutral and polar, at codon 452 of the FLNA protein (p.Gly452Ser). This variant is present in population databases (no rsID available, gnomAD 0.001%). This variant has not been reported in the literature in individuals affected with FLNA-related conditions. ClinVar contains an entry for this variant (Variation ID: 2251436). Invitae Evidence Modeling of protein sequence and biophysical properties (such as structural, functional, and spatial information, amino acid conservation, physicochemical variation, residue mobility, and thermodynamic stability) has been performed for this missense variant. However, the output from this modeling did not meet the statistical confidence thresholds required to predict the impact of this variant on FLNA protein function. In summary, the available evidence is currently insufficient to determine the role of this variant in disease. Therefore, it has been classified as a Variant of Uncertain Significance.

GeneDx
Classification: Uncertain significance. Last evaluated: 2024-03-11. Review status: criteria provided, single submitter. Criteria: GeneDx Variant Classification Process June 2021. Collection method: clinical testing. Allele origin: germline. Affected: yes.
Comment: Not observed at significant frequency in large population cohorts (gnomAD); In silico analysis supports that this missense variant has a deleterious effect on protein structure/function; Has not been previously published as pathogenic or benign to our knowledge

Ambry Genetics
Classification: Uncertain significance for Familial thoracic aortic aneurysm and aortic dissection. Last evaluated: 2021-10-01. Review status: criteria provided, single submitter. Criteria: Ambry Variant Classification Scheme 2023. Collection method: clinical testing. Allele origin: germline.